The following is an entry in ClinVar:

ClinVar aggregate classification (germline): Pathogenic. Review status: criteria provided, multiple submitters, no conflicts (2 of 4 stars). 6 submissions from 6 submitters: Pathogenic (5). 1 of the submissions does not count toward it. Last evaluated 2026-01-22.

Conditions:
Hereditary nonpolyposis colorectal neoplasms. Identifiers: MedGen C0009405, MeSH D003123.
Hereditary cancer-predisposing syndrome. Also called: Tumor predisposition; Hereditary neoplastic syndrome; Neoplastic Syndromes, Hereditary; Hereditary Cancer Syndrome. Identifiers: Orphanet 140162, MedGen C0027672, MeSH D009386, MONDO:0015356.
Lynch syndrome 4 (LYNCH4). Also called: Colorectal cancer, hereditary nonpolyposis, type 4; Hereditary non-polyposis colorectal cancer, type 4. Identifiers: Orphanet 144, MedGen C1838333, MONDO:0013699, OMIM 614337. Disease mechanism: loss of function.
Carcinoma of colon (CRC). Also called: Colonic carcinoma; Colon carcinoma. Identifiers: MedGen C0699790, MONDO:0002032.

Submissions (6):

Labcorp Genetics (formerly Invitae), Labcorp
Classification: Pathogenic for Hereditary nonpolyposis colorectal neoplasms. Last evaluated: 2026-01-22. Review status: criteria provided, single submitter. Criteria: Invitae Variant Classification Sherloc (09022015). Collection method: clinical testing. Allele origin: germline.
Comment: This sequence change creates a premature translational stop signal (p.Gln719Argfs*6) in the PMS2 gene. It is expected to result in an absent or disrupted protein product. Loss-of-function variants in PMS2 are known to be pathogenic (PMID: 21376568, 24362816). The frequency data for this variant in the population databases (gnomAD) is considered unreliable due to the presence of homologous sequence, such as pseudogenes or paralogs, in the genome. This premature translational stop signal has been observed in individual(s) with Lynch syndrome (PMID: 26110232). ClinVar contains an entry for this variant (Variation ID: 183755). For these reasons, this variant has been classified as Pathogenic.

Ambry Genetics
Classification: Pathogenic for Hereditary cancer-predisposing syndrome. Last evaluated: 2024-06-06. Review status: criteria provided, single submitter. Criteria: Ambry Variant Classification Scheme 2023. Collection method: clinical testing. Allele origin: germline.
Comment: The c.2156delA pathogenic mutation, located in coding exon 12 of the PMS2 gene, results from a deletion of one nucleotide at nucleotide position 2156, causing a translational frameshift with a predicted alternate stop codon (p.Q719Rfs*6). This alteration is expected to result in loss of function by premature protein truncation or nonsense-mediated mRNA decay. As such, this alteration is interpreted as a disease-causing mutation.

Myriad Genetics, Inc.
Classification: Pathogenic for Lynch syndrome 4. Last evaluated: 2023-09-21. Review status: criteria provided, single submitter. Criteria: Myriad Autosomal Dominant, Autosomal Recessive and X-Linked Classification Criteria (2023). Collection method: clinical testing. Allele origin: unknown.
Comment: This variant is considered pathogenic. This variant creates a frameshift predicted to result in premature protein truncation.

PreventionGenetics, part of Exact Sciences
Classification: Pathogenic. Last evaluated: 2017-05-26. Review status: criteria provided, single submitter. Criteria: ACMG Guidelines, 2015. Collection method: clinical testing. Allele origin: germline.

GeneDx
Classification: Pathogenic. Last evaluated: 2017-01-19. Review status: criteria provided, single submitter. Criteria: GeneDx Variant Classification (06012015). Collection method: clinical testing. Allele origin: germline. Affected: yes.
Comment: This deletion of one nucleotide in PMS2 is denoted c.2156delA at the cDNA level and p.Gln719ArgfsX6 (Q719RfsX6) at the protein level. The normal sequence, with the base that is deleted in brackets, is CTCC[delA]GGGGC. The deletion causes a frameshift, which changes a Glutamine to an Arginine at codon 719, and creates a premature stop codon at position 6 of the new reading frame. This variant is predicted to cause loss of normal protein function through either protein truncation or nonsense-mediated mRNA decay. PMS2 c.2156delA has been reported in association with Lynch syndrome (Suerink 2015). We consider this variant to be pathogenic.

Department of Pathology and Laboratory Medicine, Sinai Health System
Classification: Pathogenic for Carcinoma of colon. Review status: no assertion criteria provided. Collection method: clinical testing. Allele origin: unknown. Affected: yes. Observed: 1 variant allele. Study: The Canadian Open Genetics Repository (COGR). Not counted in ClinVar's aggregate classification.
Comment: The PMS2 p.Gln719Argfs*6 variant was identified in 2 of 872 proband chromosomes (frequency: 0.002) from individuals or families with Lynch syndrome (Hansen 2014, Suerink 2015). The variant was also identified in dbSNP (ID: rs786201062 as â€šÃ„ÃºWith Pathogenic alleleâ€šÃ„Ã¹) and ClinVar (3x as pathogenic by Ambry Genetics, GeneDx, and Invitae). The variant was not identified in Cosmic, MutDB, Insight Colon Cancer Gene Variant Database, Zhejiang University Database, Mismatch Repair Genes Variant Database, Insight Hereditary Tumors Database, the 1000 Genomes Project, the NHLBI GO Exome Sequencing Project, the Exome Aggregation Consortium (August 8th 2016), or the Genome Aggregation Database (Feb 27, 2017). The p.Gln719Argfs*6 variant is predicted to cause a frameshift, which alters the protein's amino acid sequence beginning at codon 719 and leads to a premature stop codon at position 724. This alteration is predicted to result in a truncated protein and loss of function. Loss of function variants of the PMS2 gene are an established mechanism of disease in Lynch syndrome and is the type of variant expected to cause the disorder. In summary, based on the above information this variant meets our laboratoryâ€šÃ„Ã´s criteria to be classified as pathogenic.

Literature cited by the submitters: PubMed 21376568 (cited by Labcorp Genetics (formerly Invitae), Labcorp); PubMed 24362816 (cited by Labcorp Genetics (formerly Invitae), Labcorp); PubMed 26110232 (cited by Labcorp Genetics (formerly Invitae), Labcorp).

NM_000535.7(PMS2):c.2156del (p.Gln719fs)

Gene: PMS2 (PMS1 homolog 2, mismatch repair system component; minus strand). Cytogenetic location: 7p22.1.
Variant type: Deletion.
Coding change: c.2156del on transcript NM_000535.7 (MANE Select); coding-DNA position 2156, one base deleted (A; older notation c.2156delA).
Protein change: p.Gln719fs; shifts the reading frame from glutamine 719.
Molecular consequence: frameshift variant. On other transcripts: non-coding transcript variant (1).
Genome position (GRCh38, 1-based): chr7:5,982,842, T deleted on the plus strand (A on the coding strand, the reverse complement: PMS2 is on the minus strand). VCF-style (leftmost placement, unchanged base first): chr7-5982841-CT-C. GRCh37 (hg19) VCF-style: chr7-6022472-CT-C.
Other names: c.1751del, p.Gln584fs (NM_001322003.2, NM_001322004.2, NM_001322005.2 and 1 more transcripts); c.2000del, p.Gln667fs (NM_001322006.2); c.1838del, p.Gln613fs (NM_001322007.2, NM_001322008.2); c.1595del, p.Gln532fs (NM_001322010.2); c.1223del, p.Gln408fs (NM_001322011.2, NM_001322012.2); c.1583del, p.Gln528fs (NM_001322013.2); c.2156del, p.Gln719fs (NM_001322014.2); c.1847del, p.Gln616fs (NM_001322015.2); short protein forms Q584fs, Q528fs, Q532fs, Q719fs, Q408fs, Q613fs, Q616fs, Q667fs.
Identifiers: ClinVar variation 183755 (VCV000183755.18), dbSNP rs786201062, ClinGen allele CA010928.
Genomic context (GRCh38, chr7:5,982,841, plus strand): 5'-CAATTTGAGGGGGAGTCTGGGAATGAACACTAAACACACTCACGCTATGAGCCTCTGCCC[CT>C]GGAGCACGGTGTGCTGCTGCAGCATCTCGAAGTTATACTTCTCGTCCGTGGCATGCTGGT-3'